The following is an entry in ClinVar:

ClinVar aggregate classification (germline): Uncertain significance (1 of 4 stars; one submission).

Conditions:
Epidermolysis bullosa simplex 5B, with muscular dystrophy (EBS5B). Also called: EPIDERMOLYSIS BULLOSA SIMPLEX AND LIMB-GIRDLE MUSCULAR DYSTROPHY; Epidermolysis bullosa simplex with muscular dystrophy. Identifiers: Orphanet 257, MedGen C2931072, MONDO:0009181, OMIM 226670.
Epidermolysis bullosa simplex, Ogna type (EBS5A). Also called: Pidermolysis bullosa simplex 5A, Ogna type; EPIDERMOLYSIS BULLOSA SIMPLEX 5A, OGNA TYPE. Identifiers: Orphanet 79401, MedGen C0432317, MONDO:0007555, OMIM 131950.
Epidermolysis bullosa simplex 5C, with pyloric atresia (EBS5C). Also called: PLEC-Related Epidermolysis Bullosa with Pyloric Atresia; Epidermolysis bullosa simplex with pyloric atresia; PLEC1-Related Epidermolysis Bullosa with Pyloric Atresia. Identifiers: Orphanet 158684, MedGen C2677349, MONDO:0012807, OMIM 612138.
Autosomal recessive limb-girdle muscular dystrophy type 2Q (LGMDR17). Also called: MUSCULAR DYSTROPHY, LIMB-GIRDLE, AUTOSOMAL RECESSIVE 17. Identifiers: Orphanet 254361, MedGen C3150989, MONDO:0013390, OMIM 613723.
Epidermolysis bullosa simplex with nail dystrophy (EBS5D). Identifiers: MedGen C4225309, MONDO:0014661, OMIM 616487.

Allele frequency attached by ClinVar (database versions not stated): gnomAD exomes below 0.00001.
gnomAD v4.1: 2 of 1,610,568 alleles (0.00012%); highest among the groups gnomAD compares: Non-Finnish European, 0.00017%; no homozygotes.

Submission:

Labcorp Genetics (formerly Invitae), Labcorp
Classification: Uncertain significance for Autosomal recessive limb-girdle muscular dystrophy type 2Q; Epidermolysis bullosa simplex, Ogna type; Epidermolysis bullosa simplex with nail dystrophy; Epidermolysis bullosa simplex 5C, with pyloric atresia; Epidermolysis bullosa simplex 5B, with muscular dystrophy. Last evaluated: 2022-04-07. Review status: criteria provided, single submitter. Criteria: Invitae Variant Classification Sherloc (09022015). Collection method: clinical testing. Allele origin: germline.
Comment: In summary, the available evidence is currently insufficient to determine the role of this variant in disease. Therefore, it has been classified as a Variant of Uncertain Significance. Algorithms developed to predict the effect of missense changes on protein structure and function (SIFT, PolyPhen-2, Align-GVGD) all suggest that this variant is likely to be disruptive. This variant has not been reported in the literature in individuals affected with PLEC-related conditions. This variant is not present in population databases (gnomAD no frequency). This sequence change replaces leucine, which is neutral and non-polar, with arginine, which is basic and polar, at codon 2215 of the PLEC protein (p.Leu2215Arg).

NM_201384.3(PLEC):c.6563T>G (p.Leu2188Arg)

Gene: PLEC (plectin; minus strand). Cytogenetic location: 8q24.3.
Variant type: single nucleotide variant.
Coding change: c.6563T>G on transcript NM_201384.3 (MANE Select); coding-DNA position 6563, T replaced by G.
Protein change: p.Leu2188Arg; replaces leucine 2188 with arginine.
Molecular consequence: missense variant.
Genome position (GRCh38, 1-based): chr8:143,923,366, A>C on the plus strand (T>G on the coding strand, the complement: PLEC is on the minus strand). VCF-style: chr8-143923366-A-C. GRCh37 (hg19) VCF-style: chr8-144997534-A-C.
Other names: c.6644T>G, p.Leu2215Arg (NM_000445.5); c.6521T>G, p.Leu2174Arg (NM_201378.4); c.6497T>G, p.Leu2166Arg (NM_201379.3); c.6974T>G, p.Leu2325Arg (NM_201380.4); c.6467T>G, p.Leu2156Arg (NM_201381.3); c.6563T>G, p.Leu2188Arg (NM_201382.4); c.6575T>G, p.Leu2192Arg (NM_201383.3); short protein forms L2174R, L2325R, L2166R, L2188R, L2192R, L2215R, L2156R.
Identifiers: ClinVar variation 2051534 (VCV002051534.4), dbSNP rs2537728112, ClinGen allele CA372533401.
Genomic context (GRCh38, chr8:143,923,366, plus strand): 5'-TCCTCGTCCAGCAGGTTCTTCTGGTGGTCGGTCTCCTCCAGCTGCAGCCGCAGTGTTGTC[A>C]GCTCCTGCTCCACCTGCGCCTTCTGCCGCAGCGTCTGCTCGGCGAATTTCTTATGCTTCT-3'
Protein context (NP_958786.1, residues 2178-2198): LRQKAQVEQE[Leu2188Arg]TTLRLQLEET